The following is an entry in ClinVar:

NM_000465.4(BARD1):c.365-17T>C

Gene: BARD1 (BRCA1 associated RING domain 1; minus strand). Cytogenetic location: 2q35.
Variant type: single nucleotide variant.
Coding change: c.365-17T>C on transcript NM_000465.4 (MANE Select); 17 bases into the intron before coding-DNA position 365, T replaced by C.
Molecular consequence: intron variant.
Genome position (GRCh38, 1-based): chr2:214,781,526, A>G on the plus strand (T>C on the coding strand, the complement: BARD1 is on the minus strand). VCF-style: chr2-214781526-A-G. GRCh37 (hg19) VCF-style: chr2-215646250-A-G.
Other names: c.158+27886T>C (NM_001282548.2); c.308-17T>C (NM_001282543.2); c.215+15535T>C (NM_001282545.2); c.364+10771T>C (NM_001282549.2).
Identifiers: ClinVar variation 1621470 (VCV001621470.10), dbSNP rs2106112865, ClinGen allele CA2573135160.

ClinVar aggregate classification (germline): Likely benign. Review status: criteria provided, multiple submitters, no conflicts (2 of 4 stars). 2 submissions from 2 submitters: Likely benign (2). Last evaluated 2024-12-11.

Conditions:
Familial cancer of breast. Also called: Hereditary breast cancer; hereditary breast carcinoma; BREAST CANCER, FAMILIAL. Identifiers: Orphanet 227535, MedGen C0346153, MONDO:0016419, OMIM 114480. Disease mechanism: loss of function.

Submissions (2):

Labcorp Genetics (formerly Invitae), Labcorp
Classification: Likely benign for Familial cancer of breast. Last evaluated: 2024-12-11. Review status: criteria provided, single submitter. Criteria: Invitae Variant Classification Sherloc (09022015). Collection method: clinical testing. Allele origin: germline.

Myriad Genetics, Inc.
Classification: Likely benign for Familial cancer of breast. Last evaluated: 2024-07-19. Review status: criteria provided, single submitter. Criteria: Myriad Autosomal Dominant, Autosomal Recessive and X-Linked Classification Criteria (2023). Collection method: clinical testing. Allele origin: unknown.
Comment: This variant is considered likely benign. This variant is intronic and is not expected to impact mRNA splicing.